The following is an entry in ClinVar:

ClinVar aggregate classification (germline): Uncertain significance (1 of 4 stars; one submission).

Submission:

GeneDx
Classification: Uncertain significance. Last evaluated: 2023-03-01. Review status: criteria provided, single submitter. Criteria: GeneDx Variant Classification Process June 2021. Collection method: clinical testing. Allele origin: germline. Affected: yes.
Comment: Not observed at significant frequency in large population cohorts (gnomAD); In silico analysis supports that this missense variant has a deleterious effect on protein structure/function; Has not been previously published as pathogenic or benign to our knowledge

NM_004859.4(CLTC):c.1595T>G (p.Phe532Cys)

Gene: CLTC (clathrin heavy chain; plus strand). Cytogenetic location: 17q23.1.
Variant type: single nucleotide variant.
Coding change: c.1595T>G on transcript NM_004859.4 (MANE Select); coding-DNA position 1595, T replaced by G.
Protein change: p.Phe532Cys; replaces phenylalanine 532 with cysteine.
Molecular consequence: missense variant.
Genome position (GRCh38, 1-based): chr17:59,664,860, T>G. VCF-style: chr17-59664860-T-G. GRCh37 (hg19) VCF-style: chr17-57742221-T-G.
Other names: c.1607T>G, p.Phe536Cys (NM_001288653.2); short protein forms F532C, F536C.
Identifiers: ClinVar variation 2578168 (VCV002578168.1), dbSNP rs2509382082, ClinGen allele CA400426843.